The following is an entry in ClinVar:

NM_001358530.2(MOCS1):c.870+1G>T

Gene: MOCS1 (molybdenum cofactor synthesis 1; minus strand). Cytogenetic location: 6p21.2.
Variant type: single nucleotide variant.
Coding change: c.870+1G>T on transcript NM_001358530.2 (MANE Select); the canonical splice donor site of the intron after coding-DNA position 870, G replaced by T.
Molecular consequence: splice donor variant.
Genome position (GRCh38, 1-based): chr6:39,912,891, C>A on the plus strand (G>T on the coding strand, the complement: MOCS1 is on the minus strand). VCF-style: chr6-39912891-C-A. GRCh37 (hg19) VCF-style: chr6-39880635-C-A.
Other names: c.609+1G>T (NM_001358531.2, NM_001358533.2, NM_001358534.2); c.870+1G>T (NM_001358529.2, NM_001075098.4, NM_005943.6).
Identifiers: ClinVar variation 2739213 (VCV002739213.3), dbSNP rs2482307867, ClinGen allele CA364043350.

ClinVar aggregate classification (germline): Likely pathogenic (1 of 4 stars; one submission).

Conditions:
Sulfite oxidase deficiency due to molybdenum cofactor deficiency type A. Also called: Molybdenum cofactor deficiency, complementation group A; Molybdenum Cofactor Deficiency A. Identifiers: Orphanet 308386, Orphanet 833, MedGen C1854988, MONDO:0009643, OMIM 252150.

gnomAD v4.1: 1 of 1,613,772 alleles (0.000062%); highest among the groups gnomAD compares: Non-Finnish European, 0.000085%; no homozygotes.

Submission:

Labcorp Genetics (formerly Invitae), Labcorp
Classification: Likely pathogenic for Sulfite oxidase deficiency due to molybdenum cofactor deficiency type A. Last evaluated: 2023-10-29. Review status: criteria provided, single submitter. Criteria: Invitae Variant Classification Sherloc (09022015). Collection method: clinical testing. Allele origin: germline.
Comment: This sequence change affects a donor splice site in intron 7 of the MOCS1 gene. It is expected to disrupt RNA splicing. Variants that disrupt the donor or acceptor splice site typically lead to a loss of protein function (PMID: 16199547), and loss-of-function variants in MOCS1 are known to be pathogenic (PMID: 12754701, 16021469). This variant is not present in population databases (gnomAD no frequency). This variant has not been reported in the literature in individuals affected with MOCS1-related conditions. Algorithms developed to predict the effect of sequence changes on RNA splicing suggest that this variant may disrupt the consensus splice site. In summary, the currently available evidence indicates that the variant is pathogenic, but additional data are needed to prove that conclusively. Therefore, this variant has been classified as Likely Pathogenic.

Literature cited by the submitters: PubMed 16199547; PubMed 12754701; PubMed 16021469.